The following is an entry in ClinVar:

ClinVar aggregate classification (germline): Pathogenic (1 of 4 stars; one submission).

Conditions:
Glutaric aciduria, type 1. Also called: GA I; Glutaryl-CoA dehydrogenase deficiency; Glutaric acidemia type I; Glutaricacidemia Type 1; Glutaricaciduria, type I; Glutaric Acidemia Type 1. Identifiers: Orphanet 25, MedGen C0268595, MONDO:0009281, OMIM 231670.

Submission:

Myriad Genetics, Inc.
Classification: Pathogenic for Glutaric aciduria, type 1. Last evaluated: 2023-09-27. Review status: criteria provided, single submitter. Criteria: Myriad Autosomal Dominant, Autosomal Recessive and X-Linked Classification Criteria (2023). Collection method: clinical testing. Allele origin: unknown.
Comment: NM_000159.2(GCDH):c.739dupG(A247Gfs*96) is expected to be pathogenic in the context of glutaric acidemia, GCDH-related. This variant is predicted to lead to an abnormal or absent protein product due to the creation of a premature termination codon in GCDH, a gene where loss-of-function variants are known to be pathogenic. Please note: this variant was assessed in the context of healthy population screening.

NM_000159.4(GCDH):c.739dup (p.Ala247fs)

Gene: GCDH (glutaryl-CoA dehydrogenase; plus strand). Cytogenetic location: 19p13.13.
Variant type: Duplication.
Coding change: c.739dup on transcript NM_000159.4 (MANE Select); coding-DNA position 739, one base duplicated (G; older notation c.739dupG).
Protein change: p.Ala247fs; shifts the reading frame from alanine 247.
Molecular consequence: frameshift variant. On other transcripts: non-coding transcript variant (2).
Genome position (GRCh38, 1-based): chr19:12,896,308, G duplicated; the last of 2 consecutive G bases (chr19:12,896,307-12,896,308); duplicating either gives the same sequence. VCF-style (leftmost placement, unchanged base first): chr19-12896306-C-CG. GRCh37 (hg19) VCF-style: chr19-13007120-C-CG.
Other names: c.739dup, p.Ala247fs (NM_013976.5); short protein forms A247fs.
Identifiers: ClinVar variation 5011906 (VCV005011906.1).